The following is an entry in ClinVar:

ClinVar aggregate classification (germline): Uncertain significance (1 of 4 stars; one submission).

Conditions:
Hereditary cancer-predisposing syndrome. Also called: Hereditary Cancer Syndrome; Hereditary neoplastic syndrome; Tumor predisposition; Neoplastic Syndromes, Hereditary. Identifiers: Orphanet 140162, MedGen C0027672, MeSH D009386, MONDO:0015356.

gnomAD v4.1: 2 of 1,614,222 alleles (0.00012%); highest among the groups gnomAD compares: Non-Finnish European, 0.00017%; no homozygotes.

Submission:

Ambry Genetics
Classification: Uncertain significance for Hereditary cancer-predisposing syndrome. Last evaluated: 2024-10-11. Review status: criteria provided, single submitter. Criteria: Ambry Variant Classification Scheme 2023. Collection method: clinical testing. Allele origin: germline.
Comment: The p.H583R variant (also known as c.1748A>G), located in coding exon 9 of the ALK gene, results from an A to G substitution at nucleotide position 1748. The histidine at codon 583 is replaced by arginine, an amino acid with highly similar properties. This amino acid position is conserved. In addition, this alteration is predicted to be tolerated by in silico analysis. Based on the available evidence, the clinical significance of this variant remains unclear.

NM_004304.5(ALK):c.1748A>G (p.His583Arg)

Gene: ALK (ALK receptor tyrosine kinase; minus strand). Cytogenetic location: 2p23.2.
Variant type: single nucleotide variant.
Coding change: c.1748A>G on transcript NM_004304.5 (MANE Select); coding-DNA position 1748, A replaced by G.
Protein change: p.His583Arg; replaces histidine 583 with arginine.
Molecular consequence: missense variant.
Genome position (GRCh38, 1-based): chr2:29,296,957, T>C on the plus strand (A>G on the coding strand, the complement: ALK is on the minus strand). VCF-style: chr2-29296957-T-C. GRCh37 (hg19) VCF-style: chr2-29519823-T-C.
Other names: short protein forms H583R.
Identifiers: ClinVar variation 3524848 (VCV003524848.1).